The following is an entry in ClinVar:

ClinVar aggregate classification (germline): Uncertain significance (1 of 4 stars; one submission).

Submission:

Ambry Genetics
Classification: Uncertain significance. Last evaluated: 2023-10-13. Review status: criteria provided, single submitter. Criteria: Ambry Variant Classification Scheme 2023. Collection method: clinical testing. Allele origin: germline.
Comment: The p.P717L variant (also known as c.2150C>T), located in coding exon 4 of the ALPK2 gene, results from a C to T substitution at nucleotide position 2150. The proline at codon 717 is replaced by leucine, an amino acid with similar properties. This amino acid position is conserved. In addition, this alteration is predicted to be tolerated by in silico analysis. Since supporting evidence is limited at this time, the clinical significance of this alteration remains unclear.

NM_052947.4(ALPK2):c.2150C>T (p.Pro717Leu)

Gene: ALPK2 (alpha kinase 2; minus strand). Cytogenetic location: 18q21.31.
Variant type: single nucleotide variant.
Coding change: c.2150C>T on transcript NM_052947.4 (MANE Select); coding-DNA position 2150, C replaced by T.
Protein change: p.Pro717Leu; replaces proline 717 with leucine.
Molecular consequence: missense variant.
Genome position (GRCh38, 1-based): chr18:58,538,037, G>A on the plus strand (C>T on the coding strand, the complement: ALPK2 is on the minus strand). VCF-style: chr18-58538037-G-A. GRCh37 (hg19) VCF-style: chr18-56205269-G-A.
Other names: short protein forms P717L.
Identifiers: ClinVar variation 3228616 (VCV003228616.1), dbSNP rs2518878044, ClinGen allele CA402571432.